The following is an entry in ClinVar:

ClinVar aggregate classification (germline): Pathogenic (1 of 4 stars; one submission).

Conditions:
Juvenile onset Parkinson disease 19A. Also called: PARK19; DNAJC6 Parkinson Disease. Identifiers: Orphanet 391411, MedGen C3809811, MONDO:0014231, OMIM 615528.

Submission:

Labcorp Genetics (formerly Invitae), Labcorp
Classification: Pathogenic for Juvenile onset Parkinson disease 19A. Last evaluated: 2021-11-29. Review status: criteria provided, single submitter. Criteria: Invitae Variant Classification Sherloc (09022015). Collection method: clinical testing. Allele origin: germline.
Comment: For these reasons, this variant has been classified as Pathogenic. This variant has not been reported in the literature in individuals affected with DNAJC6-related conditions. This variant is not present in population databases (gnomAD no frequency). This sequence change creates a premature translational stop signal (p.Ala227Argfs*106) in the DNAJC6 gene. It is expected to result in an absent or disrupted protein product. Loss-of-function variants in DNAJC6 are known to be pathogenic (PMID: 22563501, 23211418, 26528954).

Literature cited by the submitters: PubMed 22563501; PubMed 23211418; PubMed 26528954.

NM_001256864.2(DNAJC6):c.677_678dup (p.Ala227fs)

Gene: DNAJC6 (DnaJ heat shock protein family (Hsp40) member C6; plus strand). Cytogenetic location: 1p31.3.
Variant type: Duplication.
Coding change: c.677_678dup on transcript NM_001256864.2 (MANE Select); coding-DNA positions 677 to 678, 2 bases duplicated (CG; older notation c.677_678dupCG).
Protein change: p.Ala227fs; shifts the reading frame from alanine 227.
Molecular consequence: frameshift variant.
Genome position (GRCh38, 1-based): chr1:65,384,203-65,384,204, CG duplicated; duplicating any 2 consecutive bases within chr1:65,384,202-65,384,204 gives the same sequence; the c. name uses the placement nearest the transcript's 3' end. VCF-style (leftmost placement, unchanged base first): chr1-65384201-G-GGC. GRCh37 (hg19) VCF-style: chr1-65849884-G-GGC.
Other names: c.467_468dup, p.Ala157fs (NM_001256865.2); c.506_507dup, p.Ala170fs (NM_014787.4); short protein forms A157fs, A170fs, A227fs.
Identifiers: ClinVar variation 1399200 (VCV001399200.6), dbSNP rs1645848679, ClinGen allele CA1172279180.